The following is an entry in ClinVar:

ClinVar aggregate classification (germline): Pathogenic/Likely pathogenic. Review status: criteria provided, multiple submitters, no conflicts (2 of 4 stars). 2 submissions from 2 submitters: Pathogenic (1); Likely pathogenic (1). Last evaluated 2026-07-30.

Conditions:
Radial aplasia-thrombocytopenia syndrome (TAR). Also called: TAR syndrome; Thrombocytopenia Absent Radius Syndrome. Identifiers: Orphanet 3320, MedGen C0175703, MeSH C536940, MONDO:0010121, OMIM 274000.
RBM8A-related disorder. Also called: RBM8A-related condition.

Submissions (2):

PreventionGenetics, part of Exact Sciences
Classification: Likely pathogenic for RBM8A-related condition. Last evaluated: 2026-07-30. Review status: criteria provided, single submitter. Criteria: ACMG Guidelines, 2015. Collection method: clinical testing. Allele origin: germline.
Comment: The RBM8A c.*6C>T variant is located in the 3' untranslated region. This variant has been reported in two families with thrombocytopenia-absent radius (TAR) syndrome (Langeh et al. 2026. PubMed ID: 42420238). This variant is reported in 0.060% of alleles in individuals of East Asian descent in gnomAD and is interpreted as pathogenic in ClinVar (Variation ID: 2502301). An alternate nucleotide change at the same genomic position (c.*6C>G) has been reported in individuals affected with TAR syndrome (Boussion. 2020. PubMed ID: 32227665).This variant is interpreted as likely pathogenic.

Division of Medical Genetics, Department of Pediatrics, All India Institute of Medical Sciences, New Delhi
Classification: Pathogenic for Radial aplasia-thrombocytopenia syndrome. Review status: criteria provided, single submitter. Criteria: ACMG Guidelines, 2015. Collection method: research. Allele origin: inherited. Affected: yes.
Comment: This variant is a hypomorphic allele with disease-causing impact when in trans with a null allele (1q21.1 deletion). Functional validation of this variant by mRNA stability assay revealed a decrease in mRNA stability in the affected individuals as compared to control.

NM_005105.5(RBM8A):c.*6C>T

Gene: RBM8A (RNA binding motif protein 8A; minus strand). Cytogenetic location: 1q21.1.
Variant type: single nucleotide variant.
Coding change: c.*6C>T on transcript NM_005105.5 (MANE Select); 6 bases downstream of the stop codon, C replaced by T.
Molecular consequence: 3 prime UTR variant.
Genome position (GRCh38, 1-based): chr1:145,925,876, G>A on the plus strand (C>T on the coding strand, the complement: RBM8A is on the minus strand). VCF-style: chr1-145925876-G-A. GRCh37 (hg19) VCF-style: chr1-145509217-C-T.
Identifiers: ClinVar variation 2502301 (VCV002502301.3), dbSNP rs12079762, ClinGen allele CA1055396.